The following is an entry in ClinVar:

NM_001330078.2(NRXN1):c.3070+9A>G

Gene: NRXN1 (neurexin 1; minus strand). Cytogenetic location: 2p16.3.
Variant type: single nucleotide variant.
Coding change: c.3070+9A>G on transcript NM_001330078.2 (MANE Select); 9 bases into the intron after coding-DNA position 3070, A replaced by G.
Molecular consequence: intron variant.
Genome position (GRCh38, 1-based): chr2:50,495,896, T>C on the plus strand (A>G on the coding strand, the complement: NRXN1 is on the minus strand). VCF-style: chr2-50495896-T-C. GRCh37 (hg19) VCF-style: chr2-50723034-T-C.
Other names: c.2959+9A>G (NM_001330096.2, NM_001330087.2); c.3004+9A>G (NM_001330083.2, NM_001330084.2); c.2989+9A>G (NM_001330088.2); c.3067+9A>G (NM_001330093.2); c.3058+9A>G (NM_001330094.2); c.3019+9A>G (NM_001330095.2); c.3046+9A>G (NM_001330082.2, NM_001330077.2); c.3043+9A>G (NM_001330085.2); and 2 more.
Identifiers: ClinVar variation 1090935 (VCV001090935.11), dbSNP rs763508293, ClinGen allele CA1654683.

ClinVar aggregate classification (germline): Likely benign. Review status: criteria provided, single submitter (1 of 4 stars). 2 submissions from 2 submitters: Likely benign (1). 1 of the submissions does not count toward it. Last evaluated 2025-03-16.

Conditions:
NRXN1-related disorder.
Pitt-Hopkins-like syndrome 2 (PTHSL2). Identifiers: Orphanet 221150, Orphanet 600663, MedGen C3280479, MONDO:0013690, OMIM 614325.

Allele frequency attached by ClinVar (database versions not stated): ExAC 0.00001; gnomAD 0.00002; TOPMed 0.00002.
gnomAD v4.1: 7 of 1,582,058 alleles (0.00044%); highest among the groups gnomAD compares: African/African-American, 0.0054%; no homozygotes.

Submissions (2):

Labcorp Genetics (formerly Invitae), Labcorp
Classification: Likely benign for Pitt-Hopkins-like syndrome 2. Last evaluated: 2025-03-16. Review status: criteria provided, single submitter. Criteria: Invitae Variant Classification Sherloc (09022015). Collection method: clinical testing. Allele origin: germline.

PreventionGenetics, part of Exact Sciences
Classification: Likely benign for NRXN1-related condition. Last evaluated: 2021-03-09. Review status: no assertion criteria provided. Collection method: clinical testing. Allele origin: germline. Not counted in ClinVar's aggregate classification.
Comment: This variant is classified as likely benign based on ACMG/AMP sequence variant interpretation guidelines (Richards et al. 2015 PMID: 25741868, with internal and published modifications).